The following is an entry in ClinVar:

ClinVar aggregate classification (germline): Pathogenic. Review status: criteria provided, multiple submitters, no conflicts (2 of 4 stars). 3 submissions from 3 submitters: Pathogenic (3). Last evaluated 2026-08-11.

Conditions:
Ataxia-telangiectasia syndrome (AT). Also called: ATAXIA-TELANGIECTASIA, COMPLEMENTATION GROUP A; ATAXIA-TELANGIECTASIA, FRESNO VARIANT; Ataxia-telangiectasia, complementation group E; LOUIS-BAR SYNDROME; Cerebello-oculocutaneous telangiectasia; Immunodeficiency with ataxia telangiectasia. Identifiers: Orphanet 100, MedGen C0004135, MONDO:0008840, OMIM 208900.
Hereditary cancer-predisposing syndrome. Also called: Tumor predisposition; Hereditary Cancer Syndrome; Hereditary neoplastic syndrome; Neoplastic Syndromes, Hereditary. Identifiers: Orphanet 140162, MedGen C0027672, MeSH D009386, MONDO:0015356.
Familial cancer of breast. Also called: BREAST CANCER, FAMILIAL; Hereditary breast cancer; hereditary breast carcinoma. Identifiers: Orphanet 227535, MedGen C0346153, MONDO:0016419, OMIM 114480. Disease mechanism: loss of function.

Submissions (3):

Myriad Genetics, Inc.
Classification: Pathogenic for Familial cancer of breast. Last evaluated: 2026-08-11. Review status: criteria provided, single submitter. Criteria: Myriad Autosomal Dominant, Autosomal Recessive and X-Linked Classification Criteria (2023). Collection method: clinical testing. Allele origin: unknown.
Comment: This variant is considered pathogenic. This variant creates a termination codon and is predicted to result in premature protein truncation.

Ambry Genetics
Classification: Pathogenic for Hereditary cancer-predisposing syndrome. Last evaluated: 2023-06-14. Review status: criteria provided, single submitter. Criteria: Ambry Variant Classification Scheme 2023. Collection method: clinical testing. Allele origin: germline.
Comment: The p.S575* pathogenic mutation (also known as c.1724C>A), located in coding exon 10 of the ATM gene, results from a C to A substitution at nucleotide position 1724. This changes the amino acid from a serine to a stop codon within coding exon 10. This variant is considered to be rare based on population cohorts in the Genome Aggregation Database (gnomAD). This alteration is expected to result in loss of function by premature protein truncation or nonsense-mediated mRNA decay. As such, this alteration is interpreted as a disease-causing mutation.

Labcorp Genetics (formerly Invitae), Labcorp
Classification: Pathogenic for Ataxia-telangiectasia syndrome. Last evaluated: 2020-10-27. Review status: criteria provided, single submitter. Criteria: Invitae Variant Classification Sherloc (09022015). Collection method: clinical testing. Allele origin: germline.
Comment: For these reasons, this variant has been classified as Pathogenic. This variant has not been reported in the literature in individuals with ATM-related conditions. This variant is not present in population databases (ExAC no frequency). This sequence change creates a premature translational stop signal (p.Ser575*) in the ATM gene. It is expected to result in an absent or disrupted protein product. Loss-of-function variants in ATM are known to be pathogenic (PMID: 23807571, 25614872).

Literature cited by the submitters: PubMed 23807571 (cited by Labcorp Genetics (formerly Invitae), Labcorp); PubMed 25614872 (cited by Labcorp Genetics (formerly Invitae), Labcorp).

NM_000051.4(ATM):c.1724C>A (p.Ser575Ter)

Gene: ATM (ATM serine/threonine kinase; plus strand). Cytogenetic location: 11q22.3.
Variant type: single nucleotide variant.
Coding change: c.1724C>A on transcript NM_000051.4 (MANE Select); coding-DNA position 1724, C replaced by A.
Protein change: p.Ser575Ter; replaces serine 575 with a stop codon.
Molecular consequence: nonsense.
Genome position (GRCh38, 1-based): chr11:108,251,953, C>A. VCF-style: chr11-108251953-C-A. GRCh37 (hg19) VCF-style: chr11-108122680-C-A.
Other names: c.1724C>A, p.Ser575Ter (NM_001351834.2); c.1724C>A (NM_000051.3); short protein forms S575*.
Identifiers: ClinVar variation 1456339 (VCV001456339.8), dbSNP rs2135342200, ClinGen allele CA382535289.